The following is an entry in ClinVar:

ClinVar aggregate classification (germline): Uncertain significance (1 of 4 stars; one submission).

Allele frequency attached by ClinVar (database versions not stated): TOPMed 0.00004; gnomAD 0.00005; ExAC 0.00007.

Submission:

Labcorp Genetics (formerly Invitae), Labcorp
Classification: Uncertain significance. Last evaluated: 2025-09-15. Review status: criteria provided, single submitter. Criteria: Invitae Variant Classification Sherloc (09022015). Collection method: clinical testing. Allele origin: germline.
Comment: This sequence change replaces arginine, which is basic and polar, with glutamine, which is neutral and polar, at codon 371 of the TCF3 protein (p.Arg371Gln). The frequency data for this variant in the population databases is considered unreliable, as metrics indicate poor data quality at this position in the gnomAD database. This variant has not been reported in the literature in individuals affected with TCF3-related conditions. ClinVar contains an entry for this variant (Variation ID: 1979808). Invitae Evidence Modeling of protein sequence and biophysical properties (such as structural, functional, and spatial information, amino acid conservation, physicochemical variation, residue mobility, and thermodynamic stability) indicates that this missense variant is not expected to disrupt TCF3 protein function with a negative predictive value of 80%. In summary, the available evidence is currently insufficient to determine the role of this variant in disease. Therefore, it has been classified as a Variant of Uncertain Significance.

NM_003200.5(TCF3):c.1112G>A (p.Arg371Gln)

Gene: TCF3 (transcription factor 3; minus strand). Cytogenetic location: 19p13.3.
Variant type: single nucleotide variant.
Coding change: c.1112G>A on transcript NM_003200.5 (MANE Select); coding-DNA position 1112, G replaced by A.
Protein change: p.Arg371Gln; replaces arginine 371 with glutamine.
Molecular consequence: missense variant.
Genome position (GRCh38, 1-based): chr19:1,619,835, C>T on the plus strand (G>A on the coding strand, the complement: TCF3 is on the minus strand). VCF-style: chr19-1619835-C-T. GRCh37 (hg19) VCF-style: chr19-1619834-C-T.
Other names: c.1112G>A, p.Arg371Gln (NM_001136139.4, NM_001351778.2, NM_001351779.2); short protein forms R371Q.
Identifiers: ClinVar variation 1979808 (VCV001979808.4), dbSNP rs761441337, ClinGen allele CA9050047.